The following is an entry in ClinVar:

NM_000094.4(COL7A1):c.7190C>T (p.Pro2397Leu)

Gene: COL7A1 (collagen type VII alpha 1 chain; minus strand). Cytogenetic location: 3p21.31.
Variant type: single nucleotide variant.
Coding change: c.7190C>T on transcript NM_000094.4 (MANE Select); coding-DNA position 7190, C replaced by T.
Protein change: p.Pro2397Leu; replaces proline 2397 with leucine.
Molecular consequence: missense variant.
Genome position (GRCh38, 1-based): chr3:48,570,943, G>A on the plus strand (C>T on the coding strand, the complement: COL7A1 is on the minus strand). VCF-style: chr3-48570943-G-A. GRCh37 (hg19) VCF-style: chr3-48608376-G-A.
Other names: short protein forms P2397L.
Identifiers: ClinVar variation 1963851 (VCV001963851.2), dbSNP rs2530871968, ClinGen allele CA352650536.
Genomic context (GRCh38, chr3:48,570,943, plus strand): 5'-TGACCCATCTCTCCTCGAGGGCCTGTCTGACCCGGGAACCCAACAACACCAGGAGCACCG[G>A]GCAGGCCAGGGAGGCCCAGATCTCCCTGAAATAAAAACAGCAAAGGGAGGGAATGGTCAA-3'
Protein context (NP_000085.1, residues 2387-2407): VKGDLGLPGL[Pro2397Leu]GAPGVVGFPG

ClinVar aggregate classification (germline): Uncertain significance (1 of 4 stars; one submission).

Allele frequency attached by ClinVar (database versions not stated): gnomAD exomes below 0.00001.
gnomAD v4.1: 7 of 1,613,654 alleles (0.00043%); highest among the groups gnomAD compares: African/African-American, 0.0027%; no homozygotes.

Submission:

Labcorp Genetics (formerly Invitae), Labcorp
Classification: Uncertain significance. Last evaluated: 2022-09-09. Review status: criteria provided, single submitter. Criteria: Invitae Variant Classification Sherloc (09022015). Collection method: clinical testing. Allele origin: germline.
Comment: This sequence change replaces proline, which is neutral and non-polar, with leucine, which is neutral and non-polar, at codon 2397 of the COL7A1 protein (p.Pro2397Leu). This variant is not present in population databases (gnomAD no frequency). This variant has not been reported in the literature in individuals affected with COL7A1-related conditions. Advanced modeling of protein sequence and biophysical properties (such as structural, functional, and spatial information, amino acid conservation, physicochemical variation, residue mobility, and thermodynamic stability) performed at Invitae indicates that this missense variant is not expected to disrupt COL7A1 protein function. In summary, the available evidence is currently insufficient to determine the role of this variant in disease. Therefore, it has been classified as a Variant of Uncertain Significance.